The following is an entry in ClinVar:

ClinVar aggregate classification (germline): Benign (1 of 4 stars; one submission).

Allele frequency attached by ClinVar (database versions not stated): 1000 Genomes Project 0.03295; 1000 Genomes Project 30x 0.03592; TOPMed 0.05565; gnomAD 0.05664 and 0.05769.
gnomAD v4.1: 8,705 of 152,176 alleles (5.7%); highest among the groups gnomAD compares: Non-Finnish European, 8.5%; 328 homozygotes.

Submission:

GeneDx
Classification: Benign. Last evaluated: 2018-06-14. Review status: criteria provided, single submitter. Criteria: GeneDx Variant Classification (06012015). Collection method: clinical testing. Allele origin: germline. Affected: yes.
Comment: This variant is considered likely benign or benign based on one or more of the following criteria: it is a conservative change, it occurs at a poorly conserved position in the protein, it is predicted to be benign by multiple in silico algorithms, and/or has population frequency not consistent with disease.

NM_005751.5(AKAP9):c.9729+266G>A

Gene: AKAP9 (A-kinase anchoring protein 9; plus strand). Cytogenetic location: 7q21.2.
Variant type: single nucleotide variant.
Coding change: c.9729+266G>A on transcript NM_005751.5 (MANE Select); 266 bases into the intron after coding-DNA position 9729, G replaced by A.
Molecular consequence: intron variant.
Genome position (GRCh38, 1-based): chr7:92,095,439, G>A. VCF-style: chr7-92095439-G-A. GRCh37 (hg19) VCF-style: chr7-91724753-G-A.
Other names: c.9705+266G>A (NM_147185.3); c.4374+266G>A (NM_001379277.1).
Identifiers: ClinVar variation 671127 (VCV000671127.1), dbSNP rs77378027, ClinGen allele CA161895910.